The following is an entry in ClinVar:

NM_203447.4(DOCK8):c.5034G>C (p.Met1678Ile)

Gene: DOCK8 (dedicator of cytokinesis 8; plus strand). Cytogenetic location: 9p24.3.
Variant type: single nucleotide variant.
Coding change: c.5034G>C on transcript NM_203447.4 (MANE Select); coding-DNA position 5034, G replaced by C.
Protein change: p.Met1678Ile; replaces methionine 1678 with isoleucine.
Molecular consequence: missense variant.
Genome position (GRCh38, 1-based): chr9:434,930, G>C. VCF-style: chr9-434930-G-C. GRCh37 (hg19) VCF-style: chr9-434930-G-C.
Other names: c.4734G>C, p.Met1578Ile (NM_001190458.2); c.4830G>C, p.Met1610Ile (NM_001193536.2); short protein forms M1578I, M1678I, M1610I.
Identifiers: ClinVar variation 2082552 (VCV002082552.4), dbSNP rs2537377682, ClinGen allele CA372767499.

ClinVar aggregate classification (germline): Uncertain significance (1 of 4 stars; one submission).

Conditions:
Combined immunodeficiency due to DOCK8 deficiency (HIES2). Also called: Hyper-IgE recurrent infection syndrome, autosomal recessive; HIES autosomal recessive; HYPER-IgE RECURRENT INFECTION SYNDROME 2, AUTOSOMAL RECESSIVE; DOCK8 Deficiency; HYPER-IgE SYNDROME 2, AUTOSOMAL RECESSIVE, WITH RECURRENT INFECTIONS. Identifiers: Orphanet 217390, MedGen C4722305, MONDO:0009478, OMIM 243700.

Submission:

Labcorp Genetics (formerly Invitae), Labcorp
Classification: Uncertain significance for Combined immunodeficiency due to DOCK8 deficiency. Last evaluated: 2022-01-14. Review status: criteria provided, single submitter. Criteria: Invitae Variant Classification Sherloc (09022015). Collection method: clinical testing. Allele origin: germline.
Comment: This sequence change replaces methionine, which is neutral and non-polar, with isoleucine, which is neutral and non-polar, at codon 1678 of the DOCK8 protein (p.Met1678Ile). This variant is not present in population databases (gnomAD no frequency). This variant has not been reported in the literature in individuals affected with DOCK8-related conditions. Algorithms developed to predict the effect of missense changes on protein structure and function (SIFT, PolyPhen-2, Align-GVGD) all suggest that this variant is likely to be tolerated. In summary, the available evidence is currently insufficient to determine the role of this variant in disease. Therefore, it has been classified as a Variant of Uncertain Significance.